The following is an entry in ClinVar:

ClinVar aggregate classification (germline): Uncertain significance (1 of 4 stars; one submission).

Submission:

Labcorp Genetics (formerly Invitae), Labcorp
Classification: Uncertain significance. Last evaluated: 2022-10-19. Review status: criteria provided, single submitter. Criteria: Invitae Variant Classification Sherloc (09022015). Collection method: clinical testing. Allele origin: germline.
Comment: In summary, the available evidence is currently insufficient to determine the role of this variant in disease. Therefore, it has been classified as a Variant of Uncertain Significance. Advanced modeling of protein sequence and biophysical properties (such as structural, functional, and spatial information, amino acid conservation, physicochemical variation, residue mobility, and thermodynamic stability) performed at Invitae indicates that this missense variant is not expected to disrupt SLC10A2 protein function. This variant has not been reported in the literature in individuals affected with SLC10A2-related conditions. This variant is present in population databases (rs775791678, gnomAD 0.002%). This sequence change replaces cysteine, which is neutral and slightly polar, with serine, which is neutral and polar, at codon 270 of the SLC10A2 protein (p.Cys270Ser).

NM_000452.3(SLC10A2):c.808T>A (p.Cys270Ser)

Gene: SLC10A2 (solute carrier family 10 member 2; minus strand). Cytogenetic location: 13q33.1.
Variant type: single nucleotide variant.
Coding change: c.808T>A on transcript NM_000452.3 (MANE Select); coding-DNA position 808, T replaced by A.
Protein change: p.Cys270Ser; replaces cysteine 270 with serine.
Molecular consequence: missense variant.
Genome position (GRCh38, 1-based): chr13:103,049,400, A>T on the plus strand (T>A on the coding strand, the complement: SLC10A2 is on the minus strand). VCF-style: chr13-103049400-A-T. GRCh37 (hg19) VCF-style: chr13-103701750-A-T.
Other names: short protein forms C270S.
Identifiers: ClinVar variation 2036164 (VCV002036164.4), dbSNP rs775791678, ClinGen allele CA7042037.
Genomic context (GRCh38, chr13:103,049,400, plus strand): 5'-GGAAGGTGAATACGACATTGAGCTCCTCAGGAGTGAAGGAGAGCTGAACGATGGTGGAAC[A>T]TAGCTGCGTGTTCTGCATCCCCGTTTCAAAAGCAACCGTTCGGCACCTAAAGAAGATGTT-3'
Protein context (NP_000443.2, residues 260-280): FETGMQNTQL[Cys270Ser]STIVQLSFTP